The following is an entry in ClinVar:

ClinVar aggregate classification (germline): Uncertain significance. Review status: criteria provided, multiple submitters, no conflicts (2 of 4 stars). 3 submissions from 3 submitters: Uncertain significance (2). 1 of the submissions does not count toward it. Last evaluated 2024-06-17.

Conditions:
Cardiomyopathy (CMYO). Also called: Cardiomyopathies. Identifiers: Orphanet 167848, MedGen C0878544, MONDO:0004994, HP:0001638. Inheritance: Various modes of inheritance.
Dystrophin deficiency.
Duchenne muscular dystrophy (DMD). Also called: MUSCULAR DYSTROPHY, PSEUDOHYPERTROPHIC PROGRESSIVE, DUCHENNE TYPE; Duchenne Muscular Dystrophy (DMD). Identifiers: Orphanet 98896, MedGen C0013264, MONDO:0010679, OMIM 310200.
Becker muscular dystrophy (BMD). Also called: Becker Muscular Dystrophy (BMD); MUSCULAR DYSTROPHY, PSEUDOHYPERTROPHIC PROGRESSIVE, BECKER TYPE. Identifiers: Orphanet 98895, MedGen C0917713, MONDO:0010311, OMIM 300376.

Allele frequency attached by ClinVar (database versions not stated): TOPMed below 0.00001; ExAC 0.00001; gnomAD 0.00001; gnomAD exomes 0.00001 and 0.00002; ESP Exome Variant Server 0.00009.
gnomAD v4.1: 22 of 1,207,486 alleles (0.0018%); highest among the groups gnomAD compares: Non-Finnish European, 0.0023%; no homozygotes.

Submissions (3):

Women's Health and Genetics/Laboratory Corporation of America, LabCorp
Classification: Uncertain significance. Last evaluated: 2024-06-17. Review status: criteria provided, single submitter. Criteria: LabCorp Variant Classification Summary - May 2015. Collection method: clinical testing. Allele origin: germline.

Labcorp Genetics (formerly Invitae), Labcorp
Classification: Uncertain significance for Duchenne muscular dystrophy. Last evaluated: 2021-08-24. Review status: criteria provided, single submitter. Criteria: Invitae Variant Classification Sherloc (09022015). Collection method: clinical testing. Allele origin: germline.
Comment: This sequence change replaces arginine with threonine at codon 1842 of the DMD protein (p.Arg1842Thr). The arginine residue is highly conserved and there is a moderate physicochemical difference between arginine and threonine. This variant is present in population databases (rs376011686, ExAC 0.002%). This variant has not been reported in the literature in individuals affected with DMD-related conditions. Algorithms developed to predict the effect of missense changes on protein structure and function are either unavailable or do not agree on the potential impact of this missense change (SIFT: "Deleterious"; PolyPhen-2: "Benign"; Align-GVGD: "Class C65"). In summary, the available evidence is currently insufficient to determine the role of this variant in disease. Therefore, it has been classified as a Variant of Uncertain Significance.

Natera, Inc.
Classification: Uncertain significance for Becker muscular dystrophy; Cardiomyopathy; Duchenne muscular dystrophy; Dystrophin deficiency. Last evaluated: 2019-03-22. Review status: no assertion criteria provided. Collection method: clinical testing. Allele origin: germline. Not counted in ClinVar's aggregate classification.

NM_004006.3(DMD):c.5525G>C (p.Arg1842Thr)

Gene: DMD (dystrophin; minus strand). Cytogenetic location: Xp21.1.
Variant type: single nucleotide variant.
Coding change: c.5525G>C on transcript NM_004006.3 (MANE Select); coding-DNA position 5525, G replaced by C.
Protein change: p.Arg1842Thr; replaces arginine 1842 with threonine.
Molecular consequence: missense variant.
Genome position (GRCh38, 1-based): chrX:32,346,004, C>G on the plus strand (G>C on the coding strand, the complement: DMD is on the minus strand). VCF-style: chrX-32346004-C-G. GRCh37 (hg19) VCF-style: chrX-32364121-C-G.
Other names: c.5501G>C, p.Arg1834Thr (NM_000109.4); c.5513G>C, p.Arg1838Thr (NM_004009.3); c.5156G>C, p.Arg1719Thr (NM_004010.3); c.1502G>C, p.Arg501Thr (NM_004011.4); c.1493G>C, p.Arg498Thr (NM_004012.4); short protein forms R1719T, R1834T, R1838T, R1842T, R498T, R501T.
Identifiers: ClinVar variation 1055656 (VCV001055656.8), dbSNP rs376011686, ClinGen allele CA10378663.